The following is an entry in ClinVar:

NC_000015.10:g.27955214_27955217del

Gene: OCA2 (OCA2 melanosomal transmembrane protein; minus strand). Cytogenetic location: 15q13.1.
Variant type: Deletion.
Genome position: GRCh38 VCF-style: chr15-27955210-ATCTG-A. GRCh37 (hg19) VCF-style: chr15-28200356-ATCTG-A.
Identifiers: ClinVar variation 1453609 (VCV001453609.7), dbSNP rs2140668412, ClinGen allele CA2573150568.

ClinVar aggregate classification (germline): Pathogenic (1 of 4 stars; one submission).

Submission:

Labcorp Genetics (formerly Invitae), Labcorp
Classification: Pathogenic. Last evaluated: 2022-07-06. Review status: criteria provided, single submitter. Criteria: Invitae Variant Classification Sherloc (09022015). Collection method: clinical testing. Allele origin: germline.
Comment: This sequence change creates a premature translational stop signal (p.Gln596Serfs*31) in the OCA2 gene. It is expected to result in an absent or disrupted protein product. Loss-of-function variants in OCA2 are known to be pathogenic (PMID: 19865097, 21541274). This variant is not present in population databases (gnomAD no frequency). This variant has not been reported in the literature in individuals affected with OCA2-related conditions. ClinVar contains an entry for this variant (Variation ID: 1453609). Algorithms developed to predict the effect of sequence changes on RNA splicing suggest that this variant may disrupt the consensus splice site. For these reasons, this variant has been classified as Pathogenic.

Literature cited by the submitters: PubMed 19865097; PubMed 21541274.